The following is an entry in ClinVar:

NM_001127208.3(TET2):c.277G>A (p.Gly93Arg)

Genes: TET2 (tet methylcytosine dioxygenase 2; plus strand), TET2-AS1 (TET2 antisense RNA 1; minus strand). Cytogenetic location: 4q24.
Variant type: single nucleotide variant.
Coding change: c.277G>A on transcript NM_001127208.3 (MANE Select); coding-DNA position 277, G replaced by A.
Protein change: p.Gly93Arg; replaces glycine 93 with arginine.
Molecular consequence: missense variant.
Genome position (GRCh38, 1-based): chr4:105,234,219, G>A. VCF-style: chr4-105234219-G-A. GRCh37 (hg19) VCF-style: chr4-106155376-G-A.
Other names: c.277G>A, p.Gly93Arg (NM_017628.4); short protein forms G93R.
Identifiers: ClinVar variation 4865605 (VCV004865605.1).
Genomic context (GRCh38, chr4:105,234,219, plus strand): 5'-CGTGTGAGTCCTGACTTTACACAAGAAAGTAGAGGGTATTCCAAGTGTTTGCAAAATGGA[G>A]GAATAAAACGCACAGTTAGTGAACCTTCTCTCTCTGGGCTCCTTCAGATCAAGAAATTGA-3'
Protein context (NP_001120680.1, residues 83-103): RGYSKCLQNG[Gly93Arg]IKRTVSEPSL

ClinVar aggregate classification (germline): Uncertain significance (1 of 4 stars; one submission).

gnomAD v4.1: 3 of 1,614,022 alleles (0.00019%); highest among the groups gnomAD compares: Non-Finnish European, 0.00025%; no homozygotes.

Submission:

Ambry Genetics
Classification: Uncertain significance. Last evaluated: 2026-06-08. Review status: criteria provided, single submitter. Criteria: Ambry Variant Classification Scheme 2023. Collection method: clinical testing. Allele origin: germline.
Comment: The p.G93R variant (also known as c.277G>A), located in coding exon 1 of the TET2 gene, results from a G to A substitution at nucleotide position 277. The glycine at codon 93 is replaced by arginine, an amino acid with dissimilar properties. This amino acid position is conserved. In addition, the in silico prediction for this alteration is inconclusive. Based on the available evidence, the clinical significance of this variant remains unclear.